The following is an entry in ClinVar:

NM_000057.4(BLM):c.1087+1G>A

Gene: BLM (BLM RecQ like helicase; plus strand). Cytogenetic location: 15q26.1.
Variant type: single nucleotide variant.
Coding change: c.1087+1G>A on transcript NM_000057.4 (MANE Select); the canonical splice donor site of the intron after coding-DNA position 1087, G replaced by A.
Molecular consequence: splice donor variant.
Genome position (GRCh38, 1-based): chr15:90,754,939, G>A. VCF-style: chr15-90754939-G-A. GRCh37 (hg19) VCF-style: chr15-91298169-G-A.
Other names: c.1087+1G>A (NM_001287246.2, NM_001287247.2); c.-205+1G>A (NM_001287248.2).
Identifiers: ClinVar variation 553853 (VCV000553853.11), dbSNP rs1179486581, ClinGen allele CA393842269.

ClinVar aggregate classification (germline): Likely pathogenic. Review status: criteria provided, multiple submitters, no conflicts (2 of 4 stars). 4 submissions from 4 submitters: Likely pathogenic (3). 1 of the submissions does not count toward it. Last evaluated 2025-10-21.

Conditions:
Bloom syndrome (BLM). Also called: Bloom-Torre-Machacek syndrome. Identifiers: Orphanet 125, MedGen C0005859, MONDO:0008876, OMIM 210900.

Allele frequency attached by ClinVar (database versions not stated): gnomAD exomes below 0.00001.

Submissions (4):

Natera, Inc.
Classification: Likely pathogenic for Bloom syndrome. Last evaluated: 2025-10-21. Review status: criteria provided, single submitter. Criteria: Natera Variant Classification Schema (03/2026). Collection method: clinical testing. Allele origin: germline.
Comment: The c.1087+1G>A variant in BLM is a canonical splice donor site variant predicted to affect pre-mRNA splicing, which may result in an abnormal transcript and altered protein product. This variant is expected to result in nonsense mediated decay, truncation, or a dysfunctional protein product. This variant is rare in the general population with a frequency below the threshold expected for the associated phenotype(s). Given the available evidence, this variant is classified as Likely Pathogenic.

Baylor Genetics
Classification: Likely pathogenic for Bloom syndrome. Last evaluated: 2024-01-05. Review status: criteria provided, single submitter. Criteria: ACMG Guidelines, 2015. Collection method: clinical testing. Allele origin: unknown.

Labcorp Genetics (formerly Invitae), Labcorp
Classification: Likely pathogenic for Bloom syndrome. Last evaluated: 2022-06-15. Review status: criteria provided, single submitter. Criteria: Invitae Variant Classification Sherloc (09022015). Collection method: clinical testing. Allele origin: germline.
Comment: In summary, the currently available evidence indicates that the variant is pathogenic, but additional data are needed to prove that conclusively. Therefore, this variant has been classified as Likely Pathogenic. Algorithms developed to predict the effect of sequence changes on RNA splicing suggest that this variant may disrupt the consensus splice site. ClinVar contains an entry for this variant (Variation ID: 553853). This variant has not been reported in the literature in individuals affected with BLM-related conditions. The frequency data for this variant in the population databases is considered unreliable, as metrics indicate poor data quality at this position in the gnomAD database. This sequence change affects a donor splice site in intron 5 of the BLM gene. It is expected to disrupt RNA splicing. Variants that disrupt the donor or acceptor splice site typically lead to a loss of protein function (PMID: 16199547), and loss-of-function variants in BLM are known to be pathogenic (PMID: 17407155).

Counsyl
Classification: Likely pathogenic for Bloom syndrome. Last evaluated: 2017-09-14. Review status: no assertion criteria provided. Collection method: clinical testing. Allele origin: unknown. Not counted in ClinVar's aggregate classification.

Literature cited by the submitters: PubMed 16199547 (cited by Labcorp Genetics (formerly Invitae), Labcorp); PubMed 17407155 (cited by Labcorp Genetics (formerly Invitae), Labcorp).